The following is an entry in ClinVar:

ClinVar aggregate classification (germline): Pathogenic/Likely pathogenic. Review status: criteria provided, multiple submitters, no conflicts (2 of 4 stars). 13 submissions from 13 submitters: Pathogenic (4); Likely pathogenic (7). 2 of the submissions do not count toward it. Last evaluated 2025-08-26.

Conditions:
Malignant hyperthermia, susceptibility to, 1 (MHS1). Also called: Malignant hyperthermia suceptibility 1; RYR1-Related Malignant Hyperthermia Susceptibility; Anesthesia related hyperthermia; Malignant hyperpyrexia; Fulminating hyperpyrexia; Pharmacogenic myopathy. Identifiers: Orphanet 423, MedGen C2930980, MONDO:0007783, OMIM 145600.
King Denborough syndrome (KDS). Identifiers: MedGen C1840365, MONDO:0020485, OMIM 619542.
Central core myopathy (CMYO1A). Also called: CONGENITAL MYOPATHY 1A, AUTOSOMAL DOMINANT, WITH SUSCEPTIBILITY TO MALIGNANT HYPERTHERMIA; Central core disease; Myopathy, central fibrillar. Identifiers: Orphanet 597, MedGen C5830701, MONDO:0007294, OMIM 117000.
Congenital multicore myopathy with external ophthalmoplegia (CMYO1B). Also called: MULTIMINICORE DISEASE WITH EXTERNAL OPHTHALMOPLEGIA; Congenital myopathy 1B, autosomal recessive; Minicore myopathy; MULTICORE MYOPATHY; Minicore myopathy with external ophthalmoplegia. Identifiers: Orphanet 598, Orphanet 98905, MedGen C1850674, MONDO:0009712, OMIM 255320, HP:0003789.
Congenital myopathy with fiber type disproportion. Also called: Congenital fiber-type disproportion; Congenital fiber-type disproportion myopathy. Identifiers: Orphanet 2020, MedGen C0546264, MONDO:0009711. Inheritance: all.
RYR1-related disorder. Also called: RYR1-related disorders; RYR1-related condition. Identifiers: MedGen CN239331.

Submissions (13):

Labcorp Genetics (formerly Invitae), Labcorp
Classification: Pathogenic for RYR1-related disorder. Last evaluated: 2025-08-26. Review status: criteria provided, single submitter. Criteria: Invitae Variant Classification Sherloc (09022015). Collection method: clinical testing. Allele origin: germline.
Comment: This variant, c.14770_14772del, results in the deletion of 1 amino acid(s) of the RYR1 protein (p.Phe4924del), but otherwise preserves the integrity of the reading frame. This variant is not present in population databases (gnomAD no frequency). This variant has been observed in individual(s) with congenital myopathy (PMID: 25960145; internal data). In at least one individual the variant was observed to be de novo. Experimental studies and prediction algorithms are not available or were not evaluated, and the functional significance of this variant is currently unknown. For these reasons, this variant has been classified as Pathogenic.

3billion
Classification: Likely pathogenic for Central core myopathy. Last evaluated: 2025-03-19. Review status: criteria provided, single submitter. Criteria: ACMG Guidelines, 2015. Collection method: clinical testing. Allele origin: germline. Affected: yes.

Blueprint Genetics
Classification: Pathogenic for RYR1-related disorders. Last evaluated: 2024-10-24. Review status: criteria provided, single submitter. Criteria: ACMG Guidelines, 2015. Collection method: clinical testing. Allele origin: germline. Affected: yes. Observed: 5 variant alleles.

Centre of Medical Genetics, University Hospital Muenster
Classification: Likely pathogenic. Last evaluated: 2024-03-05. Review status: criteria provided, single submitter. Criteria: ACMG Guidelines, 2015. Collection method: clinical testing. Allele origin: unknown. Affected: yes. Observed: 1 variant allele, 1 heterozygote.
Comment: ACMG categories: PM2,PM3,PM4,PP5

GeneDx
Classification: Pathogenic. Last evaluated: 2023-09-27. Review status: criteria provided, single submitter. Criteria: GeneDx Variant Classification Process June 2021. Collection method: clinical testing. Allele origin: germline. Affected: yes.
Comment: Not observed at significant frequency in large population cohorts (gnomAD); In-frame deletion of 1 amino acid in a non-repeat region; In silico analysis supports a deleterious effect on protein structure/function; This variant is associated with the following publications: (PMID: 25960145, 16084090, 35548885, 36516687, 20681998, 33767344)

CeGaT Center for Human Genetics Tuebingen
Classification: Likely pathogenic. Last evaluated: 2023-01-01. Review status: criteria provided, single submitter. Criteria: CeGaT Center For Human Genetics Tuebingen Variant Classification Criteria Version 2. Collection method: clinical testing. Allele origin: germline. Affected: yes. Observed: 2 variant alleles.
Comment: RYR1: PM1, PM2, PM6, PM4:Supporting, PS4:Supporting

Fulgent Genetics
Classification: Likely pathogenic for Central core myopathy; Malignant hyperthermia, susceptibility to, 1; Congenital myopathy 4A, autosomal dominant; Congenital multicore myopathy with external ophthalmoplegia; King Denborough syndrome. Last evaluated: 2022-04-06. Review status: criteria provided, single submitter. Criteria: ACMG Guidelines, 2015. Collection method: clinical testing. Allele origin: unknown.

MGZ Medical Genetics Center
Classification: Likely pathogenic for Central core myopathy. Last evaluated: 2021-09-15. Review status: criteria provided, single submitter. Criteria: ACMG Guidelines, 2015. Collection method: clinical testing. Allele origin: germline. Affected: yes. Observed: 1 variant allele.
Comment: ACMG criteria applied: PS2, PM4, PM2_SUP

PreventionGenetics, part of Exact Sciences
Classification: Likely pathogenic. Last evaluated: 2016-08-19. Review status: criteria provided, single submitter. Criteria: ACMG Guidelines, 2015. Collection method: clinical testing. Allele origin: germline.

Genetic Services Laboratory, University of Chicago
Classification: Likely pathogenic. Last evaluated: 2016-03-04. Review status: criteria provided, single submitter. Criteria: ACMG Guidelines, 2015. Collection method: clinical testing. Allele origin: germline. Affected: yes.

Neuberg Centre For Genomic Medicine, NCGM
Classification: Pathogenic for Central core myopathy. Review status: criteria provided, single submitter. Criteria: ACMG Guidelines, 2015. Collection method: clinical testing. Allele origin: germline. Inheritance: Autosomal dominant inheritance. Affected: yes.
Comment: The inframe deletion variant c.14770_14772del (p.Phe4924del) in RYR1 gene has been reported in an individual affected with congenital myopathy (Snoeck M et.al., 2015). Functional studies reveal a damaging effect (Xu Le et al,2020).This p.Phe4924del causes deletion of amino acid Phenylalanine at position 4924. This variant has been reported to the ClinVar database as Pathogenic. The p.Phe4924del variant is novel (not in any individuals) in gnomAD and 1000 Genomes. For these reasons, this variant has been classified as Pathogenic

Zotz-Klimas Genetics Lab, MVZ Zotz Klimas
Classification: Likely pathogenic for Central core myopathy. Last evaluated: 2023-11-02. Review status: no assertion criteria provided. Collection method: clinical testing. Allele origin: germline. Affected: yes. Not counted in ClinVar's aggregate classification.

Revvity Omics, Revvity
Classification: Uncertain significance. Last evaluated: 2024-02-23. Review status: flagged submission. Criteria: ACMG Guidelines, 2015. Collection method: clinical testing. Allele origin: germline. Not counted in ClinVar's aggregate classification.
ClinVar note: Reason: Outlier claim with insufficient supporting evidence

Literature cited by the submitters: PubMed 25960145 (cited by Labcorp Genetics (formerly Invitae), Labcorp and 3billion).

NM_000540.3(RYR1):c.14761TTC[3] (p.Phe4924del)

Gene: RYR1 (ryanodine receptor 1; plus strand). Cytogenetic location: 19q13.2.
Variant type: Microsatellite.
Coding change: c.14761TTC[3] on transcript NM_000540.3 (MANE Select); three copies in a row of the 3-base unit TTC starting at c.14761; the reference has four copies in a row; one copy, 3 bases deleted; also written c.14770_14772del.
Protein change: p.Phe4924del; deletes phenylalanine 4924.
Molecular consequence: inframe deletion.
Genome position (GRCh38, 1-based): chr19:38,585,066-38,585,068, TTC deleted; deleting any 3 consecutive bases within chr19:38,585,056-38,585,068 gives the same sequence; the position shown is the placement nearest the transcript's 3' end. VCF-style (leftmost placement, unchanged base first): chr19-38585055-CCTT-C. GRCh37 (hg19) VCF-style: chr19-39075695-CCTT-C.
Other names: c.14746TTC[3], p.Phe4919del (NM_001042723.2); c.14770_14772del (NM_000540.3); c.14770_14772delTTC (NM_000540.2); short protein forms F4924del, F4919del.
Identifiers: ClinVar variation 420588 (VCV000420588.65), dbSNP rs1064794572, ClinGen allele CA16620842.
Genomic context (GRCh38, chr19:38,585,055, plus strand): 5'-ACGAGATCGAGGACCCCGCGGGTGACGAATACGAGCTCTACAGGGTGGTCTTCGACATCA[CCTT>C]CTTCTTCTTCGTCATCGTCATCCTGTTGGCCATCATCCAGGGTCAGTGCTGGGAGTGGGC-3'